The following is an entry in ClinVar:

ClinVar aggregate classification (germline): Likely benign (1 of 4 stars; one submission).

Allele frequency attached by ClinVar (database versions not stated): 1000 Genomes Project 0.00060; TOPMed 0.00060; 1000 Genomes Project 30x 0.00062; ESP Exome Variant Server 0.00085; gnomAD 0.00089; gnomAD exomes 0.00093; ExAC 0.00144.
gnomAD v4.1: 1,522 of 1,608,822 alleles (0.095%); highest among the groups gnomAD compares: Middle Eastern, 1.2%; 9 homozygotes.

Submission:

CeGaT Center for Human Genetics Tuebingen
Classification: Likely benign. Last evaluated: 2023-03-01. Review status: criteria provided, single submitter. Criteria: CeGaT Center For Human Genetics Tuebingen Variant Classification Criteria Version 2. Collection method: clinical testing. Allele origin: germline. Affected: yes. Observed: 1 variant allele.
Comment: IGDCC4: BS2

NM_020962.3(IGDCC4):c.133G>A (p.Val45Met)

Gene: IGDCC4 (immunoglobulin superfamily DCC subclass member 4; minus strand). Cytogenetic location: 15q22.31.
Variant type: single nucleotide variant.
Coding change: c.133G>A on transcript NM_020962.3 (MANE Select); coding-DNA position 133, G replaced by A.
Protein change: p.Val45Met; replaces valine 45 with methionine.
Molecular consequence: missense variant.
Genome position (GRCh38, 1-based): chr15:65,411,308, C>T on the plus strand (G>A on the coding strand, the complement: IGDCC4 is on the minus strand). VCF-style: chr15-65411308-C-T. GRCh37 (hg19) VCF-style: chr15-65703646-C-T.
Other names: short protein forms V45M.
Identifiers: ClinVar variation 2645463 (VCV002645463.24), dbSNP rs142198652, ClinGen allele CA7618117.
Genomic context (GRCh38, chr15:65,411,308, plus strand): 5'-CAGCGGCAGCAGCCCCCAGGCTACAGTTTAGCACTGCAGCCTGCTCTGGGCCCAGGATCA[C>T]TTGCAGTGGCCCCACTCCACAGCTCAGCTCCACAGTCGTCTCCTGGGGCAACAGCAGCTC-3'
Protein context (NP_066013.1, residues 35-55): ELSCGVGPLQ[Val45Met]ILGPEQAAVL